The following is an entry in ClinVar:

ClinVar aggregate classification (germline): Uncertain significance (1 of 4 stars; one submission).

Conditions:
Inborn genetic diseases. Identifiers: MedGen C0950123, MeSH D030342.

gnomAD v4.1: 1 of 1,614,030 alleles (0.000062%); highest among the groups gnomAD compares: South Asian, 0.0011%; no homozygotes.

Submission:

Ambry Genetics
Classification: Uncertain significance for Inborn genetic diseases. Last evaluated: 2026-02-15. Review status: criteria provided, single submitter. Criteria: Ambry Variant Classification Scheme 2023. Collection method: clinical testing. Allele origin: germline.
Comment: The p.E1882A variant (also known as c.5645A>C), located in coding exon 21 of the FANCM gene, results from an A to C substitution at nucleotide position 5645. The glutamic acid at codon 1882 is replaced by alanine, an amino acid with dissimilar properties. This amino acid position is conserved. In addition, this alteration is predicted to be tolerated by in silico analysis. Based on the available evidence, the clinical significance of this variant remains unclear.

NM_020937.4(FANCM):c.5645A>C (p.Glu1882Ala)

Gene: FANCM (FA complementation group M; plus strand). Cytogenetic location: 14q21.2.
Variant type: single nucleotide variant.
Coding change: c.5645A>C on transcript NM_020937.4 (MANE Select); coding-DNA position 5645, A replaced by C.
Protein change: p.Glu1882Ala; replaces glutamic acid 1882 with alanine.
Molecular consequence: missense variant.
Genome position (GRCh38, 1-based): chr14:45,196,476, A>C. VCF-style: chr14-45196476-A-C. GRCh37 (hg19) VCF-style: chr14-45665679-A-C.
Other names: c.5567A>C, p.Glu1856Ala (NM_001308133.2); short protein forms E1856A, E1882A.
Identifiers: ClinVar variation 4844560 (VCV004844560.1).